The following is an entry in ClinVar:

ClinVar aggregate classification (germline): Pathogenic (1 of 4 stars; one submission).

Conditions:
Primary ciliary dyskinesia. Also called: Ciliary dyskinesia. Identifiers: Orphanet 244, MedGen C0008780, MONDO:0016575, HP:0012265.

Submission:

Labcorp Genetics (formerly Invitae), Labcorp
Classification: Pathogenic for Primary ciliary dyskinesia. Last evaluated: 2022-05-29. Review status: criteria provided, single submitter. Criteria: Invitae Variant Classification Sherloc (09022015). Collection method: clinical testing. Allele origin: germline.
Comment: This sequence change creates a premature translational stop signal (p.Ser407Tyrfs*19) in the RPGR gene. It is expected to result in an absent or disrupted protein product. Loss-of-function variants in RPGR are known to be pathogenic (PMID: 16055928, 16969763). This variant is not present in population databases (gnomAD no frequency). This variant has not been reported in the literature in individuals affected with RPGR-related conditions. For these reasons, this variant has been classified as Pathogenic.

Literature cited by the submitters: PubMed 16055928; PubMed 16969763.

NM_001034853.2(RPGR):c.1217_1218insTT (p.Ser407fs)

Gene: RPGR (retinitis pigmentosa GTPase regulator; minus strand). Cytogenetic location: Xp11.4.
Variant type: Insertion.
Coding change: c.1217_1218insTT on transcript NM_001034853.2 (MANE Select); coding-DNA positions 1217 to 1218, TT inserted.
Protein change: p.Ser407fs; shifts the reading frame from serine 407.
Molecular consequence: frameshift variant. On other transcripts: non-coding transcript variant (6), intron variant (2).
Genome position: GRCh38 VCF-style: chrX-38298983-T-TAA. GRCh37 (hg19) VCF-style: chrX-38158236-T-TAA.
Other names: c.1217_1218insTT, p.Ser407fs (NM_000328.3, NM_001367247.1); c.1214_1215insTT, p.Ser406fs (NM_001367245.1, NM_001367249.1, NM_001367250.1); c.1247_1248insTT, p.Ser417fs (NM_001367248.1); c.1060-1532_1060-1531insTT (NM_001367251.1, NM_001367246.1); short protein forms S406fs, S407fs, S417fs.
Identifiers: ClinVar variation 2000310 (VCV002000310.4), dbSNP rs1601943325, ClinGen allele CA2580100951.